The following is an entry in ClinVar:

NM_001897.5(CSPG4):c.5270G>A (p.Arg1757Gln)

Gene: CSPG4 (chondroitin sulfate proteoglycan 4; minus strand). Cytogenetic location: 15q24.2.
Variant type: single nucleotide variant.
Coding change: c.5270G>A on transcript NM_001897.5 (MANE Select); coding-DNA position 5270, G replaced by A.
Protein change: p.Arg1757Gln; replaces arginine 1757 with glutamine.
Molecular consequence: missense variant.
Genome position (GRCh38, 1-based): chr15:75,677,249, C>T on the plus strand (G>A on the coding strand, the complement: CSPG4 is on the minus strand). VCF-style: chr15-75677249-C-T. GRCh37 (hg19) VCF-style: chr15-75969590-C-T.
Other names: short protein forms R1757Q.
Identifiers: ClinVar variation 2495689 (VCV002495689.3), dbSNP rs774706021, ClinGen allele CA7669620.
Genomic context (GRCh38, chr15:75,677,249, plus strand): 5'-GACTGCAGGAAGTGGGGCTGCCCAGCATGGAGGGGCTCCTCGGACACCAACAGCTGGCCC[C>T]GGCTGGGGAACTGTGTGACCTGGAAGAGCACATCATGCTCTGAGCGCTGGGGTGATGGAA-3'
Protein context (NP_001888.2, residues 1747-1767): VLFQVTQFPS[Arg1757Gln]GQLLVSEEPL

ClinVar aggregate classification (germline): Uncertain significance (1 of 4 stars; one submission).

Allele frequency attached by ClinVar (database versions not stated): gnomAD 0.00002; gnomAD exomes 0.00002; TOPMed 0.00002; ExAC 0.00005.
gnomAD v4.1: 31 of 1,487,266 alleles (0.0021%); highest among the groups gnomAD compares: Middle Eastern, 0.018%; no homozygotes.

Submission:

Ambry Genetics
Classification: Uncertain significance. Last evaluated: 2026-08-04. Review status: criteria provided, single submitter. Criteria: Ambry Variant Classification Scheme 2023. Collection method: clinical testing. Allele origin: germline.
Comment: The c.5270G>A (p.R1757Q) alteration is located in exon 10 (coding exon 10) of the CSPG4 gene. This alteration results from a G to A substitution at nucleotide position 5270, causing the arginine (R) at amino acid position 1757 to be replaced by a glutamine (Q). Based on data from gnomAD, the A allele has an overall frequency of 0.001% (1/143588) total alleles studied. The highest observed frequency was 0.002% (1/64948) of European (non-Finnish) alleles. Based on insufficient or conflicting evidence, the clinical significance of this alteration remains unclear.